The following is an entry in ClinVar:

NM_005055.5(RAPSN):c.799C>T (p.Pro267Ser)

Gene: RAPSN (receptor associated protein of the synapse; minus strand). Cytogenetic location: 11p11.2.
Variant type: single nucleotide variant.
Coding change: c.799C>T on transcript NM_005055.5 (MANE Select); coding-DNA position 799, C replaced by T.
Protein change: p.Pro267Ser; replaces proline 267 with serine.
Molecular consequence: missense variant. On other transcripts: intron variant (1).
Genome position (GRCh38, 1-based): chr11:47,441,724, G>A on the plus strand (C>T on the coding strand, the complement: RAPSN is on the minus strand). VCF-style: chr11-47441724-G-A. GRCh37 (hg19) VCF-style: chr11-47463276-G-A.
Other names: c.789+99C>T (NM_032645.5); short protein forms P267S.
Identifiers: ClinVar variation 1968877 (VCV001968877.5), dbSNP rs2496100984, ClinGen allele CA380329800.

ClinVar aggregate classification (germline): Uncertain significance (1 of 4 stars; one submission).

Conditions:
Fetal akinesia deformation sequence 1 (FADS1). Also called: Pena-Shokeir syndrome type I; Fetal akinesia sequence. Identifiers: Orphanet 994, MedGen C1276035, MONDO:0100101, OMIM 208150, HP:0001989.
Congenital myasthenic syndrome 11. Also called: MYASTHENIC SYNDROME, CONGENITAL, Ie; Myasthenic syndrome, congenital, 11, associated with acetylcholine receptor deficiency. Identifiers: Orphanet 590, MedGen C4225367, MONDO:0014588, OMIM 616326.

Submission:

Labcorp Genetics (formerly Invitae), Labcorp
Classification: Uncertain significance for Congenital myasthenic syndrome 11; Fetal akinesia deformation sequence 1. Last evaluated: 2024-09-05. Review status: criteria provided, single submitter. Criteria: Invitae Variant Classification Sherloc (09022015). Collection method: clinical testing. Allele origin: germline.
Comment: This sequence change replaces proline, which is neutral and non-polar, with serine, which is neutral and polar, at codon 267 of the RAPSN protein (p.Pro267Ser). This variant is not present in population databases (gnomAD no frequency). This variant has not been reported in the literature in individuals affected with RAPSN-related conditions. ClinVar contains an entry for this variant (Variation ID: 1968877). Invitae Evidence Modeling of protein sequence and biophysical properties (such as structural, functional, and spatial information, amino acid conservation, physicochemical variation, residue mobility, and thermodynamic stability) indicates that this missense variant is not expected to disrupt RAPSN protein function with a negative predictive value of 80%. In summary, the available evidence is currently insufficient to determine the role of this variant in disease. Therefore, it has been classified as a Variant of Uncertain Significance.